The following is an entry in ClinVar:

NM_194255.4(SLC19A1):c.660C>T (p.Cys220=)

Gene: SLC19A1 (solute carrier family 19 member 1; minus strand). Cytogenetic location: 21q22.3.
Variant type: single nucleotide variant.
Coding change: c.660C>T on transcript NM_194255.4 (MANE Select); coding-DNA position 660, C replaced by T.
Protein change: p.Cys220=; no amino-acid change (cysteine 220 retained).
Molecular consequence: synonymous variant.
Genome position (GRCh38, 1-based): chr21:45,531,678, G>A on the plus strand (C>T on the coding strand, the complement: SLC19A1 is on the minus strand). VCF-style: chr21-45531678-G-A. GRCh37 (hg19) VCF-style: chr21-46951592-G-A.
Other names: c.660C>T, p.Cys220= (NM_001205206.4, NM_001352511.3, NM_001352512.2); c.540C>T, p.Cys180= (NM_001205207.3); c.306C>T, p.Cys102= (NM_001352510.2).
Identifiers: ClinVar variation 737550 (VCV000737550.10), dbSNP rs564794512, ClinGen allele CA10068566.

ClinVar aggregate classification (germline): Likely benign. Review status: criteria provided, single submitter (1 of 4 stars). 2 submissions from 2 submitters: Likely benign (1). 1 of the submissions does not count toward it. Last evaluated 2026-01-29.

Conditions:
SLC19A1-related disorder. Also called: SLC19A1-related condition.

Allele frequency attached by ClinVar (database versions not stated): gnomAD below 0.00001 and 0.00001; TOPMed 0.00001; gnomAD exomes 0.00003 and 0.00008; ExAC 0.00011; 1000 Genomes Project 30x 0.00016; 1000 Genomes Project 0.00020.
gnomAD v4.1: 46 of 1,612,342 alleles (0.0029%); highest among the groups gnomAD compares: South Asian, 0.041%; 1 homozygote.

Submissions (2):

Labcorp Genetics (formerly Invitae), Labcorp
Classification: Likely benign. Last evaluated: 2026-01-29. Review status: criteria provided, single submitter. Criteria: Invitae Variant Classification Sherloc (09022015). Collection method: clinical testing. Allele origin: germline.

PreventionGenetics, part of Exact Sciences
Classification: Likely benign for SLC19A1-related condition. Last evaluated: 2019-03-01. Review status: no assertion criteria provided. Collection method: clinical testing. Allele origin: germline. Not counted in ClinVar's aggregate classification.
Comment: This variant is classified as likely benign based on ACMG/AMP sequence variant interpretation guidelines (Richards et al. 2015 PMID: 25741868, with internal and published modifications).